The following is an entry in ClinVar:

ClinVar aggregate classification (germline): Conflicting classifications of pathogenicity. Review status: criteria provided, conflicting classifications (1 of 4 stars). 2 submissions from 2 submitters: Uncertain significance (1); Benign (1). Last evaluated 2022-08-01.

Conditions:
Tuberous sclerosis 1 (TSC1). Identifiers: Orphanet 805, MedGen C1854465, MONDO:0008612, OMIM 191100.

Allele frequency attached by ClinVar (database versions not stated): gnomAD exomes 0.00048; TOPMed 0.00073; 1000 Genomes Project 30x 0.00141; 1000 Genomes Project 0.00160.
gnomAD v4.1: 148 of 395,020 alleles (0.037%); highest among the groups gnomAD compares: East Asian, 0.5%; no homozygotes.

Submissions (2):

CeGaT Center for Human Genetics Tuebingen
Classification: Benign. Last evaluated: 2022-08-01. Review status: criteria provided, single submitter. Criteria: CeGaT Center For Human Genetics Tuebingen Variant Classification Criteria Version 2. Collection method: clinical testing. Allele origin: germline. Affected: yes. Observed: 1 variant allele.
Comment: TSC1: BS1, BS2

Division of Genomic Medicine, Department of Advanced Medicine, Medical Research Institute, Kanazawa Medical University
Classification: Uncertain significance for Tuberous sclerosis 1. Last evaluated: 2020-07-10. Review status: criteria provided, single submitter. Criteria: ACMG Guidelines, 2015. Collection method: clinical testing. Allele origin: germline. Affected: yes. Observed: 2 variant alleles.

NM_000368.5(TSC1):c.-144+134G>T

Gene: TSC1 (TSC complex subunit 1; minus strand). Cytogenetic location: 9q34.13.
Variant type: single nucleotide variant.
Coding change: c.-144+134G>T on transcript NM_000368.5 (MANE Select); 134 bases into the intron after 144 bases upstream of the start codon, G replaced by T.
Molecular consequence: intron variant.
Genome position (GRCh38, 1-based): chr9:132,944,409, C>A on the plus strand (G>T on the coding strand, the complement: TSC1 is on the minus strand). VCF-style: chr9-132944409-C-A. GRCh37 (hg19) VCF-style: chr9-135819796-C-A.
Other names: c.-403+134G>T (NM_001362177.2); c.-144+134G>T (NM_001162427.2, NM_001162426.2).
Identifiers: ClinVar variation 977134 (VCV000977134.25), dbSNP rs375418118, ClinGen allele CA200910372.